The following is an entry in ClinVar:

ClinVar aggregate classification (germline): Conflicting classifications of pathogenicity. Review status: criteria provided, conflicting classifications (1 of 4 stars). 2 submissions from 2 submitters: Pathogenic (1); Uncertain significance (1). Last evaluated 2025-10-13.

Allele frequency attached by ClinVar (database versions not stated): TOPMed 0.00007; gnomAD 0.00009 and 0.00010; gnomAD exomes 0.00012 and 0.00033; ExAC 0.00049.
gnomAD v4.1: 212 of 1,610,428 alleles (0.013%); highest among the groups gnomAD compares: Non-Finnish European, 0.0088%; 2 homozygotes.

Submissions (2):

GeneDx
Classification: Pathogenic. Last evaluated: 2025-10-13. Review status: criteria provided, single submitter. Criteria: GeneDx Variant Classification Process June 2021. Collection method: clinical testing. Allele origin: germline.
Comment: Nonsense variant predicted to result in protein truncation, as the last 633 amino acids are lost, and other loss-of-function variants have been reported downstream in HGMD; Has not been previously published as pathogenic or benign to our knowledge; This variant is associated with the following publications: (PMID: 16444271, 33440636)

CeGaT Center for Human Genetics Tuebingen
Classification: Uncertain significance. Last evaluated: 2017-02-01. Review status: criteria provided, single submitter. Criteria: CeGaT Center For Human Genetics Tuebingen Variant Classification Criteria Version 2. Collection method: clinical testing. Allele origin: germline. Affected: yes. Observed: 1 variant allele.

NM_002016.2(FLG):c.10285G>T (p.Glu3429Ter)

Genes: CCDST (cervical cancer associated DHX9 suppressive transcript; plus strand), FLG (filaggrin; minus strand). Cytogenetic location: 1q21.3.
Variant type: single nucleotide variant.
Coding change: c.10285G>T on transcript NM_002016.2 (MANE Select); coding-DNA position 10285, G replaced by T.
Protein change: p.Glu3429Ter; replaces glutamic acid 3429 with a stop codon.
Molecular consequence: nonsense.
Genome position (GRCh38, 1-based): chr1:152,304,601, C>A on the plus strand (G>T on the coding strand, the complement: FLG is on the minus strand). VCF-style: chr1-152304601-C-A. GRCh37 (hg19) VCF-style: chr1-152277077-C-A.
Other names: c.10285G>T (NM_002016.1); short protein forms E3429*.
Identifiers: ClinVar variation 806213 (VCV000806213.43), dbSNP rs764182496, ClinGen allele CA1103434.